The following is an entry in ClinVar:

ClinVar aggregate classification (germline): Uncertain significance (1 of 4 stars; one submission).

Submission:

Medical Genetic Center, Changzhi Maternal and Child Health Care Hospital
Classification: Uncertain significance. Last evaluated: 2025-12-10. Review status: criteria provided, single submitter. Criteria: ACMG/ClinGen CNV Guidelines, 2019. Collection method: clinical testing. Allele origin: unknown.
Comment: STRC deletion cariirer

GRCh38/hg38 15q15.3(chr15:43576373-43707912)x1

Genes: CATSPER2 (cation channel sperm associated 2; minus strand), CKMT1A (creatine kinase, mitochondrial 1A; plus strand), CKMT1B (creatine kinase, mitochondrial 1B; plus strand), PPIP5K1 (diphosphoinositol pentakisphosphate kinase 1; minus strand), STRC (stereocilin; minus strand) and 2 more. Cytogenetic location: 15q15.3.
Variant type: copy number loss.
Change: copy number 1 (one copy instead of two) of chr15:43,576,373-43,707,912 (131.5 kb, GRCh38 coordinates, 1-based), cytogenetic band 15q15.3.
Identifiers: ClinVar variation 4796357 (VCV004796357.1).